The following is an entry in ClinVar:

NM_001048174.2(MUTYH):c.213C>T (p.Ser71=)

Gene: MUTYH (mutY DNA glycosylase; minus strand). Cytogenetic location: 1p34.1.
Variant type: single nucleotide variant.
Coding change: c.213C>T on transcript NM_001048174.2 (MANE Select); coding-DNA position 213, C replaced by T.
Protein change: p.Ser71=; no amino-acid change (serine 71 retained).
Molecular consequence: synonymous variant. On other transcripts: 5 prime UTR variant (6), non-coding transcript variant (7).
Genome position (GRCh38, 1-based): chr1:45,333,464, G>A on the plus strand (C>T on the coding strand, the complement: MUTYH is on the minus strand). VCF-style: chr1-45333464-G-A. GRCh37 (hg19) VCF-style: chr1-45799136-G-A.
Other names: c.213C>T, p.Ser71= (NM_001048171.2, NM_001048173.2, NM_001293195.2 and 6 more transcripts); c.216C>T, p.Ser72= (NM_001048172.2, NM_001407071.1, NM_001407078.1 and 2 more transcripts); c.297C>T, p.Ser99= (NM_001128425.2); c.258C>T, p.Ser86= (NM_001293190.2); c.246C>T, p.Ser82= (NM_001293191.2, NM_001407077.1); c.-64C>T (NM_001293192.2, NM_001293196.2, NM_001407091.1); c.-59C>T (NM_001350650.2, NM_001350651.2, NM_001407082.1); c.288C>T, p.Ser96= (NM_001407069.1, NM_012222.3); and 3 more.
Identifiers: ClinVar variation 3071045 (VCV003071045.2), dbSNP rs752209909, ClinGen allele CA417880394.

ClinVar aggregate classification (germline): Likely benign. Review status: criteria provided, multiple submitters, no conflicts (2 of 4 stars). 2 submissions from 2 submitters: Likely benign (2). Last evaluated 2023-05-16.

Conditions:
Hereditary cancer-predisposing syndrome. Also called: Tumor predisposition; Hereditary Cancer Syndrome; Hereditary neoplastic syndrome; Neoplastic Syndromes, Hereditary. Identifiers: Orphanet 140162, MedGen C0027672, MeSH D009386, MONDO:0015356.
Familial adenomatous polyposis 2. Also called: COLORECTAL ADENOMATOUS POLYPOSIS, AUTOSOMAL RECESSIVE; ADENOMAS, MULTIPLE COLORECTAL, AUTOSOMAL RECESSIVE; MYH-associated polyposis; MUTYH-associated polyposis; MUTYH-related attenuated familial adenomatous polyposis; MUTYH Polyposis. Identifiers: Orphanet 220460, Orphanet 247798, MedGen C3272841, MONDO:0012041, OMIM 608456.

Submissions (2):

All of Us Research Program, National Institutes of Health
Classification: Likely benign for Familial adenomatous polyposis 2. Last evaluated: 2023-05-16. Review status: criteria provided, single submitter. Criteria: ACMG Guidelines, 2015. Collection method: clinical testing. Allele origin: germline. Inheritance: Autosomal recessive inheritance. Observed: 1 variant allele, 1 heterozygote.
Comment: This study involves interpretation of variants in research participants for the purpose of population health screening. Participant phenotype was not available at the time of variant classification. Additional details can be found in publication PMID: 35346344, PMCID: PMC8962531

Color Diagnostics, LLC DBA Color Health
Classification: Likely benign for Hereditary cancer-predisposing syndrome. Last evaluated: 2023-04-19. Review status: criteria provided, single submitter. Criteria: ACMG Guidelines, 2015. Collection method: clinical testing. Allele origin: germline.